The following is an entry in ClinVar:

ClinVar aggregate classification (germline): Uncertain significance (1 of 4 stars; one submission).

Conditions:
Breast-ovarian cancer, familial, susceptibility to, 4. Identifiers: Orphanet 145, MedGen C3280345, MONDO:0013669, OMIM 614291.

Submission:

Labcorp Genetics (formerly Invitae), Labcorp
Classification: Uncertain significance for Breast-ovarian cancer, familial, susceptibility to, 4. Last evaluated: 2024-06-25. Review status: criteria provided, single submitter. Criteria: Invitae Variant Classification Sherloc (09022015). Collection method: clinical testing. Allele origin: germline.
Comment: This sequence change replaces proline, which is neutral and non-polar, with glutamine, which is neutral and polar, at codon 109 of the RAD51D protein (p.Pro109Gln). This variant is not present in population databases (gnomAD no frequency). This variant has not been reported in the literature in individuals affected with RAD51D-related conditions. Advanced modeling of protein sequence and biophysical properties (such as structural, functional, and spatial information, amino acid conservation, physicochemical variation, residue mobility, and thermodynamic stability) has been performed at Invitae for this missense variant, however the output from this modeling did not meet the statistical confidence thresholds required to predict the impact of this variant on RAD51D protein function. In summary, the available evidence is currently insufficient to determine the role of this variant in disease. Therefore, it has been classified as a Variant of Uncertain Significance.

NM_002878.4(RAD51D):c.326C>A (p.Pro109Gln)

Genes: RAD51L3-RFFL (RAD51L3-RFFL readthrough; minus strand), RAD51D (RAD51 paralog D; minus strand). Cytogenetic location: 17q12.
Variant type: single nucleotide variant.
Coding change: c.326C>A on transcript NM_002878.4 (MANE Select); coding-DNA position 326, C replaced by A.
Protein change: p.Pro109Gln; replaces proline 109 with glutamine.
Molecular consequence: missense variant. On other transcripts: non-coding transcript variant (2), intron variant (1).
Genome position (GRCh38, 1-based): chr17:35,107,385, G>T on the plus strand (C>A on the coding strand, the complement: RAD51D is on the minus strand). VCF-style: chr17-35107385-G-T. GRCh37 (hg19) VCF-style: chr17-33434404-G-T.
Other names: c.386C>A, p.Pro129Gln (NM_001142571.2); c.145-904C>A (NM_133629.3); short protein forms P129Q, P109Q.
Identifiers: ClinVar variation 3657715 (VCV003657715.2).